The following is an entry in ClinVar:

NM_000083.3(CLCN1):c.2811G>T (p.Glu937Asp)

Gene: CLCN1 (chloride voltage-gated channel 1; plus strand). Cytogenetic location: 7q34.
Variant type: single nucleotide variant.
Coding change: c.2811G>T on transcript NM_000083.3 (MANE Select); coding-DNA position 2811, G replaced by T.
Protein change: p.Glu937Asp; replaces glutamic acid 937 with aspartic acid.
Molecular consequence: missense variant. On other transcripts: non-coding transcript variant (1).
Genome position (GRCh38, 1-based): chr7:143,351,809, G>T. VCF-style: chr7-143351809-G-T. GRCh37 (hg19) VCF-style: chr7-143048902-G-T.
Other names: short protein forms E937D.
Identifiers: ClinVar variation 1721100 (VCV001721100.5), dbSNP rs2485448956, ClinGen allele CA369653857.
Genomic context (GRCh38, chr7:143,351,809, plus strand): 5'-TGGAACAGGGGATGTGATTGCTGCCTCCCCAGAGACCCCTGTGCCATCTCCTTCCCCAGA[G>T]CCCCCTCTCTCCCTGGCCCCAGGCAAGGTAGAGGGCGAGTTGGAGGAGCTGGAGCTGGTG-3'
Protein context (NP_000074.3, residues 927-947): PETPVPSPSP[Glu937Asp]PPLSLAPGKV

ClinVar aggregate classification (germline): Uncertain significance (1 of 4 stars; one submission).

Conditions:
Congenital myotonia, autosomal dominant form (THD). Also called: THOMSEN DISEASE; Myotonia congenita autosomal dominant. Identifiers: Orphanet 614, MedGen C2936781, MONDO:0008055, OMIM 160800.
Congenital myotonia, autosomal recessive form. Also called: BECKER DISEASE; myotonia congenita, autosomal recessive; Becker Generalized Myotonia. Identifiers: Orphanet 614, MedGen C0751360, MONDO:0009715, OMIM 255700.

gnomAD v4.1: 1 of 1,614,130 alleles (0.000062%); highest among the groups gnomAD compares: Non-Finnish European, 0.000085%; no homozygotes.

Submission:

Labcorp Genetics (formerly Invitae), Labcorp
Classification: Uncertain significance for Congenital myotonia, autosomal recessive form; Congenital myotonia, autosomal dominant form. Last evaluated: 2022-10-07. Review status: criteria provided, single submitter. Criteria: Invitae Variant Classification Sherloc (09022015). Collection method: clinical testing. Allele origin: germline.
Comment: Advanced modeling of protein sequence and biophysical properties (such as structural, functional, and spatial information, amino acid conservation, physicochemical variation, residue mobility, and thermodynamic stability) performed at Invitae indicates that this missense variant is not expected to disrupt CLCN1 protein function. In summary, the available evidence is currently insufficient to determine the role of this variant in disease. Therefore, it has been classified as a Variant of Uncertain Significance. This variant has not been reported in the literature in individuals affected with CLCN1-related conditions. This variant is not present in population databases (gnomAD no frequency). This sequence change replaces glutamic acid, which is acidic and polar, with aspartic acid, which is acidic and polar, at codon 937 of the CLCN1 protein (p.Glu937Asp).